The following is an entry in ClinVar:

NM_144997.7(FLCN):c.1538+14T>G

Gene: FLCN (folliculin; minus strand). Cytogenetic location: 17p11.2.
Variant type: single nucleotide variant.
Coding change: c.1538+14T>G on transcript NM_144997.7 (MANE Select); 14 bases into the intron after coding-DNA position 1538, T replaced by G.
Molecular consequence: intron variant.
Genome position (GRCh38, 1-based): chr17:17,214,971, A>C on the plus strand (T>G on the coding strand, the complement: FLCN is on the minus strand). VCF-style: chr17-17214971-A-C. GRCh37 (hg19) VCF-style: chr17-17118285-A-C.
Other names: c.1538+14T>G (LRG_325t1, NM_001353231.2, NM_001353230.2 and 1 more transcripts); c.1592+14T>G (NM_001353229.2).
Identifiers: ClinVar variation 167073 (VCV000167073.52), dbSNP rs112111994, ClinGen allele CA180041.
Genomic context (GRCh38, chr17:17,214,971, plus strand): 5'-CTCCTCTTTTGGAAACAGCTCCAGGTTTTCTCCAGGGTCGCAAGCAAAGGGGCCTCACCC[A>C]CACTGTTGCTTACTTCATCCACTCCTCCTTGAGGCAGACGAGGCACTGGTCCACCACATC-3'

ClinVar aggregate classification (germline): Benign/Likely benign. Review status: criteria provided, multiple submitters, no conflicts (2 of 4 stars). 15 submissions from 14 submitters: Benign (8); Likely benign (5). 2 of the submissions do not count toward it. Last evaluated 2026-02-04.

Conditions:
Hereditary cancer-predisposing syndrome. Also called: Tumor predisposition; Neoplastic Syndromes, Hereditary; Hereditary neoplastic syndrome; Hereditary Cancer Syndrome. Identifiers: Orphanet 140162, MedGen C0027672, MeSH D009386, MONDO:0015356.
Birt-Hogg-Dube syndrome. Also called: Birt Hogg Dubé syndrome. Identifiers: Orphanet 122, MedGen C0346010, MONDO:0800444.
Familial spontaneous pneumothorax (PSP). Identifiers: Orphanet 2903, MedGen C1868193, MONDO:0008259, OMIM 173600.

Allele frequency attached by ClinVar (database versions not stated): gnomAD exomes 0.00225; ExAC 0.00261; gnomAD 0.00662 and 0.00721; 1000 Genomes Project 0.00759; TOPMed 0.00811; ESP Exome Variant Server 0.00815; 1000 Genomes Project 30x 0.00828.
gnomAD v4.1: 2,395 of 1,612,526 alleles (0.15%); highest among the groups gnomAD compares: African/African-American, 2.3%; 15 homozygotes.

Submissions (15):

Labcorp Genetics (formerly Invitae), Labcorp
Classification: Benign for Birt-Hogg-Dube syndrome. Last evaluated: 2026-02-04. Review status: criteria provided, single submitter. Criteria: Invitae Variant Classification Sherloc (09022015). Collection method: clinical testing. Allele origin: germline.

CeGaT Center for Human Genetics Tuebingen
Classification: Benign. Last evaluated: 2025-10-01. Review status: criteria provided, single submitter. Criteria: CeGaT Center For Human Genetics Tuebingen Variant Classification Criteria Version 2. Collection method: clinical testing. Allele origin: germline. Affected: yes. Observed: 11 variant alleles.
Comment: FLCN: BS1, BS2

Genomic Medicine Center of Excellence, King Faisal Specialist Hospital and Research Centre
Classification: Likely benign. Last evaluated: 2025-08-18. Review status: criteria provided, single submitter. Criteria: ACMG Guidelines, 2015. Collection method: clinical testing. Allele origin: germline.

Center for Genomic Medicine, Rigshospitalet, Copenhagen University Hospital
Classification: Likely benign. Last evaluated: 2025-03-04. Review status: criteria provided, single submitter. Criteria: ACMG Guidelines, 2015. Collection method: clinical testing. Allele origin: germline.

ARUP Laboratories, Molecular Genetics and Genomics, ARUP Laboratories
Classification: Benign. Last evaluated: 2024-12-27. Review status: criteria provided, single submitter. Criteria: ARUP Molecular Germline Variant Investigation Process 2024. Collection method: clinical testing. Allele origin: germline.

Blueprint Genetics
Classification: Likely benign. Last evaluated: 2024-11-06. Review status: criteria provided, single submitter. Criteria: ACMG Guidelines, 2015. Collection method: clinical testing. Allele origin: germline.

KCCC/NGS Laboratory, Kuwait Cancer Control Center
Classification: Benign for Birt-Hogg-Dube syndrome 1. Last evaluated: 2023-07-07. Review status: criteria provided, single submitter. Criteria: ACMG Guidelines, 2015. Collection method: clinical testing. Allele origin: germline. Affected: yes.

Sema4
Classification: Benign for Hereditary cancer-predisposing syndrome. Last evaluated: 2021-04-29. Review status: criteria provided, single submitter. Criteria: Sema4 Curation Guidelines. Collection method: curation. Allele origin: germline.

Illumina Laboratory Services, Illumina
Classification: Likely benign for Familial spontaneous pneumothorax. Last evaluated: 2018-01-12. Review status: criteria provided, single submitter. Criteria: ICSL Variant Classification Criteria 13 December 2019. Collection method: clinical testing. Allele origin: germline.
Comment: This variant was observed in the ICSL laboratory as part of a predisposition screen in an ostensibly healthy population. It had not been previously curated by ICSL or reported in the Human Gene Mutation Database (HGMD: prior to June 1st, 2018), and was therefore a candidate for classification through an automated scoring system. Utilizing variant allele frequency, disease prevalence and penetrance estimates, and inheritance mode, an automated score was calculated to assess if this variant is too frequent to cause the disease. Based on the score and internal cut-off values, a variant classified as likely benign is not then subjected to further curation. The score for this variant resulted in a classification of likely benign for this disease.

Illumina Laboratory Services, Illumina
Classification: Benign for Birt-Hogg-Dube syndrome 1. Last evaluated: 2018-01-12. Review status: criteria provided, single submitter. Criteria: ICSL Variant Classification Criteria 13 December 2019. Collection method: clinical testing. Allele origin: germline.
Comment: This variant was observed in the ICSL laboratory as part of a predisposition screen in an ostensibly healthy population. It had not been previously curated by ICSL or reported in the Human Gene Mutation Database (HGMD: prior to June 1st, 2018), and was therefore a candidate for classification through an automated scoring system. Utilizing variant allele frequency, disease prevalence and penetrance estimates, and inheritance mode, an automated score was calculated to assess if this variant is too frequent to cause the disease. Based on the score and internal cut-off values, a variant classified as benign is not then subjected to further curation. The score for this variant resulted in a classification of benign for this disease.

GeneDx
Classification: Benign. Last evaluated: 2015-03-03. Review status: criteria provided, single submitter. Criteria: GeneDx Variant Classification Process June 2021. Collection method: clinical testing. Allele origin: germline. Affected: yes.
Comment: This variant is associated with the following publications: (PMID: 32171268)

Eurofins Ntd Llc (ga)
Classification: Benign. Last evaluated: 2014-03-06. Review status: criteria provided, single submitter. Criteria: EGL Classification Definitions 2015. Collection method: clinical testing. Allele origin: germline. Observed: 1 variant allele, 1 heterozygote.

Breakthrough Genomics
Classification: Likely benign. Review status: criteria provided, single submitter. Criteria: ACMG Guidelines, 2015. Collection method: not provided. Allele origin: germline. Inheritance: Autosomal dominant inheritance. Affected: yes.

Clinical Genetics DNA and cytogenetics Diagnostics Lab, Erasmus MC, Erasmus Medical Center
Classification: Benign. Review status: no assertion criteria provided. Collection method: clinical testing. Allele origin: germline. Affected: yes. Study: VKGL Data-share Consensus. Not counted in ClinVar's aggregate classification.

Genome Diagnostics Laboratory, Amsterdam University Medical Center
Classification: Benign. Review status: no assertion criteria provided. Collection method: clinical testing. Allele origin: germline. Affected: yes. Study: VKGL Data-share Consensus. Not counted in ClinVar's aggregate classification.